The following is an entry in ClinVar:

ClinVar aggregate classification (germline): Likely pathogenic (1 of 4 stars; one submission).

Conditions:
Hypertrophic cardiomyopathy. Also called: HYPERTROPHIC MYOCARDIOPATHY. Identifiers: Orphanet 217569, MedGen C0007194, MeSH D002312, MONDO:0005045, HP:0001639.

Submission:

Labcorp Genetics (formerly Invitae), Labcorp
Classification: Likely pathogenic for Hypertrophic cardiomyopathy. Last evaluated: 2022-03-20. Review status: criteria provided, single submitter. Criteria: Invitae Variant Classification Sherloc (09022015). Collection method: clinical testing. Allele origin: germline.
Comment: This sequence change affects a donor splice site in intron 38 of the MYH7 gene. It is expected to disrupt RNA splicing. Variants that disrupt the donor or acceptor splice site typically lead to a loss of protein function (PMID: 16199547), however the current clinical and genetic evidence is not sufficient to establish whether loss-of-function variants in MYH7 cause disease. This variant is not present in population databases (gnomAD no frequency). Disruption of this splice site has been observed in individual(s) with MYH7-related conditions (PMID: 27387980, 30588760). In at least one individual the variant was observed to be de novo. Algorithms developed to predict the effect of sequence changes on RNA splicing suggest that this variant may disrupt the consensus splice site. In summary, the currently available evidence indicates that the variant is pathogenic, but additional data are needed to prove that conclusively. Therefore, this variant has been classified as Likely Pathogenic.

Literature cited by the submitters: PubMed 16199547; PubMed 27387980; PubMed 30588760.

NM_000257.4(MYH7):c.5655+1G>T

Gene: MYH7 (myosin heavy chain 7; minus strand). Cytogenetic location: 14q11.2.
Variant type: single nucleotide variant.
Coding change: c.5655+1G>T on transcript NM_000257.4 (MANE Select); the canonical splice donor site of the intron after coding-DNA position 5655, G replaced by T.
Molecular consequence: splice donor variant.
Genome position (GRCh38, 1-based): chr14:23,414,006, C>A on the plus strand (G>T on the coding strand, the complement: MYH7 is on the minus strand). VCF-style: chr14-23414006-C-A. GRCh37 (hg19) VCF-style: chr14-23883215-C-A.
Other names: c.5655+1G>T (NM_001407004.1).
Identifiers: ClinVar variation 1515356 (VCV001515356.8), dbSNP rs1892079951, ClinGen allele CA389034768.